The following is an entry in ClinVar:

NM_006254.4(PRKCD):c.799A>C (p.Asn267His)

Gene: PRKCD (protein kinase C delta; plus strand). Cytogenetic location: 3p21.1.
Variant type: single nucleotide variant.
Coding change: c.799A>C on transcript NM_006254.4 (MANE Select); coding-DNA position 799, A replaced by C.
Protein change: p.Asn267His; replaces asparagine 267 with histidine.
Molecular consequence: missense variant.
Genome position (GRCh38, 1-based): chr3:53,184,885, A>C. VCF-style: chr3-53184885-A-C. GRCh37 (hg19) VCF-style: chr3-53218901-A-C.
Other names: c.799A>C, p.Asn267His (NM_001316327.2, NM_001354679.2, NM_001354680.2 and 1 more transcripts); c.856A>C, p.Asn286His (NM_001354676.2); c.847A>C, p.Asn283His (NM_001354678.2); short protein forms N267H, N283H, N286H.
Identifiers: ClinVar variation 835455 (VCV000835455.7), dbSNP rs1371733624, ClinGen allele CA353220342.

ClinVar aggregate classification (germline): Uncertain significance. Review status: criteria provided, multiple submitters, no conflicts (2 of 4 stars). 2 submissions from 2 submitters: Uncertain significance (2). Last evaluated 2024-07-07.

Conditions:
Autoimmune lymphoproliferative syndrome, type III caused by mutation in PRKCD. Identifiers: Orphanet 3261, Orphanet 664711, MedGen C3809928, MONDO:8000024, OMIM 615559.
Inborn genetic diseases. Identifiers: MedGen C0950123, MeSH D030342.

Allele frequency attached by ClinVar (database versions not stated): gnomAD 0.00003; TOPMed 0.00009.
gnomAD v4.1: 4 of 1,613,752 alleles (0.00025%); highest among the groups gnomAD compares: Admixed American, 0.0067%; no homozygotes.

Submissions (2):

Ambry Genetics
Classification: Uncertain significance for Inborn genetic diseases. Last evaluated: 2024-07-07. Review status: criteria provided, single submitter. Criteria: Ambry Variant Classification Scheme 2023. Collection method: clinical testing. Allele origin: germline.

Labcorp Genetics (formerly Invitae), Labcorp
Classification: Uncertain significance for Autoimmune lymphoproliferative syndrome, type III caused by mutation in PRKCD. Last evaluated: 2024-06-21. Review status: criteria provided, single submitter. Criteria: Invitae Variant Classification Sherloc (09022015). Collection method: clinical testing. Allele origin: germline.
Comment: This sequence change replaces asparagine, which is neutral and polar, with histidine, which is basic and polar, at codon 267 of the PRKCD protein (p.Asn267His). This variant is not present in population databases (gnomAD no frequency). This variant has not been reported in the literature in individuals affected with PRKCD-related conditions. ClinVar contains an entry for this variant (Variation ID: 835455). An algorithm developed to predict the effect of missense changes on protein structure and function (PolyPhen-2) suggests that this variant is likely to be disruptive. In summary, the available evidence is currently insufficient to determine the role of this variant in disease. Therefore, it has been classified as a Variant of Uncertain Significance.